The following is an entry in ClinVar:

NM_004146.6(NDUFB7):c.113-10C>G

Gene: NDUFB7 (NADH:ubiquinone oxidoreductase subunit B7; minus strand). Cytogenetic location: 19p13.12.
Variant type: single nucleotide variant.
Coding change: c.113-10C>G on transcript NM_004146.6 (MANE Select); 10 bases into the intron before coding-DNA position 113, C replaced by G.
Molecular consequence: intron variant.
Genome position (GRCh38, 1-based): chr19:14,566,943, G>C on the plus strand (C>G on the coding strand, the complement: NDUFB7 is on the minus strand). VCF-style: chr19-14566943-G-C. GRCh37 (hg19) VCF-style: chr19-14677755-G-C.
Other names: IVS1, C-G, -10.
Identifiers: ClinVar variation 997769 (VCV000997769.5), dbSNP rs2074094096, ClinGen allele CA2324454999.

ClinVar aggregate classification (germline): Likely pathogenic. Review status: criteria provided, single submitter (1 of 4 stars). 2 submissions from 2 submitters: Likely pathogenic (1). 1 of the submissions does not count toward it. Last evaluated 2021-02-01.

Conditions:
Mitochondrial complex I deficiency, nuclear type 39 (MC1DN39). Identifiers: MedGen C5774258, MONDO:0859320, OMIM 620135.
Mitochondrial disorder due to a defect in assembly or maturation of the respiratory chain complexes. Identifiers: Orphanet 309136, MedGen C5681078, MONDO:0017718.

Submissions (2):

Centre for Inherited Metabolic Diseases, Karolinska University Hospital
Classification: Likely pathogenic for Mitochondrial disorder due to a defect in assembly or maturation of the respiratory chain complexes. Last evaluated: 2021-02-01. Review status: criteria provided, single submitter. Criteria: ACMG Guidelines, 2015. Collection method: research. Allele origin: germline, not applicable. Inheritance: Autosomal recessive inheritance. Affected: yes. Observed: 1 variant allele, 1 homozygote.
Comment: Functional characterization, in a muscle biopsy and in fibroblasts, indicates that the c.113-10C>G variant in the NDUFB7 gene disrupts gene expression leading to a complex I defect.

OMIM
Classification: Pathogenic for MITOCHONDRIAL COMPLEX I DEFICIENCY, NUCLEAR TYPE 39 (1 family). Last evaluated: 2022-11-23. Review status: no assertion criteria provided. Collection method: literature only. Allele origin: germline. Not counted in ClinVar's aggregate classification.

Literature cited by the submitters: PubMed 33502047 (cited by Centre for Inherited Metabolic Diseases, Karolinska University Hospital and OMIM).